The following is an entry in ClinVar:

NM_017534.6(MYH2):c.3541C>T (p.Arg1181Cys)

Genes: MYHAS (myosin heavy chain gene cluster antisense RNA; plus strand), MYH2 (myosin heavy chain 2; minus strand). Cytogenetic location: 17p13.1.
Variant type: single nucleotide variant.
Coding change: c.3541C>T on transcript NM_017534.6 (MANE Select); coding-DNA position 3541, C replaced by T.
Protein change: p.Arg1181Cys; replaces arginine 1181 with cysteine.
Molecular consequence: missense variant.
Genome position (GRCh38, 1-based): chr17:10,528,893, G>A on the plus strand (C>T on the coding strand, the complement: MYH2 is on the minus strand). VCF-style: chr17-10528893-G-A. GRCh37 (hg19) VCF-style: chr17-10432210-G-A.
Other names: c.3541C>T, p.Arg1181Cys (NM_001100112.2); short protein forms R1181C.
Identifiers: ClinVar variation 805069 (VCV000805069.8), dbSNP rs201768483, ClinGen allele CA8390870.

ClinVar aggregate classification (germline): Uncertain significance. Review status: criteria provided, multiple submitters, no conflicts (2 of 4 stars). 2 submissions from 2 submitters: Uncertain significance (2). Last evaluated 2023-10-09.

Conditions:
Myopathy, proximal, and ophthalmoplegia (CMYO6). Also called: MYOPATHY WITH CONGENITAL JOINT CONTRACTURES, OPHTHALMOPLEGIA, AND RIMMED VACUOLES; INCLUSION BODY MYOPATHY 3, AUTOSOMAL DOMINANT; CONGENITAL MYOPATHY 6 WITH OPHTHALMOPLEGIA. Identifiers: Orphanet 363677, Orphanet 79091, MedGen C1854106, MONDO:0011577, OMIM 605637.

Allele frequency attached by ClinVar (database versions not stated): gnomAD 0.00001; TOPMed 0.00002; ExAC 0.00005.
gnomAD v4.1: 50 of 1,614,054 alleles (0.0031%); highest among the groups gnomAD compares: Middle Eastern, 0.033%; no homozygotes.

Submissions (2):

Labcorp Genetics (formerly Invitae), Labcorp
Classification: Uncertain significance for Myopathy, proximal, and ophthalmoplegia. Last evaluated: 2023-10-09. Review status: criteria provided, single submitter. Criteria: Invitae Variant Classification Sherloc (09022015). Collection method: clinical testing. Allele origin: germline.
Comment: This sequence change replaces arginine, which is basic and polar, with cysteine, which is neutral and slightly polar, at codon 1181 of the MYH2 protein (p.Arg1181Cys). This variant is present in population databases (rs201768483, gnomAD 0.01%). This variant has not been reported in the literature in individuals affected with MYH2-related conditions. ClinVar contains an entry for this variant (Variation ID: 805069). Advanced modeling of protein sequence and biophysical properties (such as structural, functional, and spatial information, amino acid conservation, physicochemical variation, residue mobility, and thermodynamic stability) performed at Invitae indicates that this missense variant is expected to disrupt MYH2 protein function. In summary, the available evidence is currently insufficient to determine the role of this variant in disease. Therefore, it has been classified as a Variant of Uncertain Significance.

Athena Diagnostics
Classification: Uncertain significance. Last evaluated: 2018-11-19. Review status: criteria provided, single submitter. Criteria: Athena Diagnostics Criteria. Collection method: clinical testing. Allele origin: germline.